The following is an entry in ClinVar:

ClinVar aggregate classification (germline): Uncertain significance (1 of 4 stars; one submission).

Conditions:
Generalized epilepsy-paroxysmal dyskinesia syndrome (PNKD3). Also called: Generalized epilepsy and paroxysmal dyskinesia; Paroxysmal nonkinesigenic dyskinesia, 3, with or without generalized epilepsy. Identifiers: Orphanet 79137, MedGen C5574945, MONDO:0012276, OMIM 609446.

Submission:

Labcorp Genetics (formerly Invitae), Labcorp
Classification: Uncertain significance for Generalized epilepsy-paroxysmal dyskinesia syndrome. Last evaluated: 2024-10-21. Review status: criteria provided, single submitter. Criteria: Invitae Variant Classification Sherloc (09022015). Collection method: clinical testing. Allele origin: germline.
Comment: This sequence change replaces isoleucine, which is neutral and non-polar, with valine, which is neutral and non-polar, at codon 197 of the KCNMA1 protein (p.Ile197Val). This variant is not present in population databases (gnomAD no frequency). This variant has not been reported in the literature in individuals affected with KCNMA1-related conditions. ClinVar contains an entry for this variant (Variation ID: 2173583). Invitae Evidence Modeling of protein sequence and biophysical properties (such as structural, functional, and spatial information, amino acid conservation, physicochemical variation, residue mobility, and thermodynamic stability) indicates that this missense variant is not expected to disrupt KCNMA1 protein function with a negative predictive value of 80%. In summary, the available evidence is currently insufficient to determine the role of this variant in disease. Therefore, it has been classified as a Variant of Uncertain Significance.

NM_001161352.2(KCNMA1):c.589A>G (p.Ile197Val)

Gene: KCNMA1 (potassium calcium-activated channel subfamily M alpha 1; minus strand). Cytogenetic location: 10q22.3.
Variant type: single nucleotide variant.
Coding change: c.589A>G on transcript NM_001161352.2 (MANE Select); coding-DNA position 589, A replaced by G.
Protein change: p.Ile197Val; replaces isoleucine 197 with valine.
Molecular consequence: missense variant. On other transcripts: 5 prime UTR variant (1).
Genome position (GRCh38, 1-based): chr10:77,251,208, T>C on the plus strand (A>G on the coding strand, the complement: KCNMA1 is on the minus strand). VCF-style: chr10-77251208-T-C. GRCh37 (hg19) VCF-style: chr10-79010966-T-C.
Other names: c.589A>G, p.Ile197Val (NM_001014797.3, NM_001161353.2, NM_001271519.2 and 8 more transcripts); c.427A>G, p.Ile143Val (NM_001271518.2); c.-28A>G (NM_001322838.2); short protein forms I143V, I197V.
Identifiers: ClinVar variation 2173583 (VCV002173583.4), dbSNP rs2552083722, ClinGen allele CA377410797.